The following is an entry in ClinVar:

ClinVar aggregate classification (germline): Uncertain significance. Review status: criteria provided, multiple submitters, no conflicts (2 of 4 stars). 2 submissions from 2 submitters: Uncertain significance (2). Last evaluated 2024-12-16.

Allele frequency attached by ClinVar (database versions not stated): gnomAD exomes below 0.00001; TOPMed below 0.00001; ExAC 0.00001; gnomAD 0.00001.

Submissions (2):

Labcorp Genetics (formerly Invitae), Labcorp
Classification: Uncertain significance. Last evaluated: 2024-12-16. Review status: criteria provided, single submitter. Criteria: Invitae Variant Classification Sherloc (09022015). Collection method: clinical testing. Allele origin: germline.
Comment: This sequence change replaces proline, which is neutral and non-polar, with leucine, which is neutral and non-polar, at codon 436 of the RBP3 protein (p.Pro436Leu). This variant is present in population databases (rs782583867, gnomAD 0.003%). This variant has not been reported in the literature in individuals affected with RBP3-related conditions. ClinVar contains an entry for this variant (Variation ID: 1402464). Invitae Evidence Modeling of protein sequence and biophysical properties (such as structural, functional, and spatial information, amino acid conservation, physicochemical variation, residue mobility, and thermodynamic stability) indicates that this missense variant is not expected to disrupt RBP3 protein function with a negative predictive value of 80%. In summary, the available evidence is currently insufficient to determine the role of this variant in disease. Therefore, it has been classified as a Variant of Uncertain Significance.

Blueprint Genetics
Classification: Uncertain significance. Last evaluated: 2018-09-21. Review status: criteria provided, single submitter. Criteria: ACMG Guidelines, 2015. Collection method: clinical testing. Allele origin: germline.

NM_002900.3(RBP3):c.1307C>T (p.Pro436Leu)

Gene: RBP3 (retinol binding protein 3; plus strand). Cytogenetic location: 10q11.22.
Variant type: single nucleotide variant.
Coding change: c.1307C>T on transcript NM_002900.3 (MANE Select); coding-DNA position 1307, C replaced by T.
Protein change: p.Pro436Leu; replaces proline 436 with leucine.
Molecular consequence: missense variant.
Genome position (GRCh38, 1-based): chr10:47,349,791, C>T. VCF-style: chr10-47349791-C-T. GRCh37 (hg19) VCF-style: chr10-48389571-G-A.
Other names: short protein forms P436L.
Identifiers: ClinVar variation 1402464 (VCV001402464.6), dbSNP rs782583867, ClinGen allele CA5487555.